The following is an entry in ClinVar:

ClinVar aggregate classification (germline): Conflicting classifications of pathogenicity. Review status: criteria provided, conflicting classifications (1 of 4 stars). 2 submissions from 2 submitters: Uncertain significance (1); Benign (1). Last evaluated 2024-12-23.

Conditions:
Arrhythmogenic right ventricular dysplasia 10. Also called: ARRHYTHMOGENIC RIGHT VENTRICULAR DYSPLASIA, FAMILIAL, 10; Arrhythmogenic right ventricular dysplasia/cardiomyopathy, type 10; Arrhythmogenic Right Ventricular Dysplasia/Cardiomyopathy10. Identifiers: MedGen C1857777, MONDO:0012434, OMIM 610193.

Submissions (2):

Labcorp Genetics (formerly Invitae), Labcorp
Classification: Uncertain significance for Arrhythmogenic right ventricular dysplasia 10. Last evaluated: 2024-12-23. Review status: criteria provided, single submitter. Criteria: Invitae Variant Classification Sherloc (09022015). Collection method: clinical testing. Allele origin: germline.
Comment: This sequence change falls in intron 2 of the DSG2 gene. It does not directly change the encoded amino acid sequence of the DSG2 protein. Information on the frequency of this variant in the gnomAD database is not available, as this variant may be reported differently in the database. This variant has not been reported in the literature in individuals affected with DSG2-related conditions. ClinVar contains an entry for this variant (Variation ID: 1182019). In summary, the available evidence is currently insufficient to determine the role of this variant in disease. Therefore, it has been classified as a Variant of Uncertain Significance.

GeneDx
Classification: Benign. Last evaluated: 2015-03-03. Review status: criteria provided, single submitter. Criteria: GeneDx Variant Classification Process June 2021. Collection method: clinical testing. Allele origin: germline. Affected: yes.

NM_001943.5(DSG2):c.81+16_81+17delinsTG

Gene: DSG2 (desmoglein 2; plus strand). Cytogenetic location: 18q12.1.
Variant type: Indel.
Coding change: c.81+16_81+17delinsTG on transcript NM_001943.5 (MANE Select); bases 16 to 17 of the intron after coding-DNA position 81, GA replaced by TG.
Molecular consequence: intron variant.
Genome position (GRCh38, 1-based): chr18:31,518,290-31,518,291, GA replaced by TG. VCF-style: chr18-31518290-GA-TG. GRCh37 (hg19) VCF-style: chr18-29098253-GA-TG.
Identifiers: ClinVar variation 1182019 (VCV001182019.7), dbSNP rs2144311694, ClinGen allele CA2499225119.